The following is an entry in ClinVar:

ClinVar aggregate classification (germline): Conflicting classifications of pathogenicity. Review status: criteria provided, conflicting classifications (1 of 4 stars). 2 submissions from 2 submitters: Likely pathogenic (1); Uncertain significance (1). Last evaluated 2025-02-06.

Conditions:
CLCN5-related disorder. Also called: CLCN5-related condition.

Submissions (2):

PreventionGenetics, part of Exact Sciences
Classification: Likely pathogenic for CLCN5-related condition. Last evaluated: 2025-02-06. Review status: criteria provided, single submitter. Criteria: ACMG Guidelines, 2015. Collection method: clinical testing. Allele origin: germline.
Comment: The CLCN5 c.808A>G variant is predicted to result in the amino acid substitution p.Ser270Gly. This variant has been reported in an individual with Dent disease (Hoopes et al. 2004. PubMed ID: 15086899). Other variants that impact this amino acid position (p.Ser270Arg, p.Ser270Asn) have also been reported in individuals with Dent disease (Gianesello. 2020. PubMed ID: 31947599; Mansour-Hendili et al. 2015. PubMed ID: 25907713). Functional studies of the p.Ser270Gly variant indicate this variant impacts CIC-5 protein functions and is in close proximity to the strictly conserved p.Glu268 "proton glutamate" (Sakhi et al. 2021. PubMed ID: 33600050). This variant has not been reported in a large population database (gnomAD), indicating this variant is rare. This variant is interpreted as likely pathogenic.

Labcorp Genetics (formerly Invitae), Labcorp
Classification: Uncertain significance. Last evaluated: 2021-04-03. Review status: criteria provided, single submitter. Criteria: Invitae Variant Classification Sherloc (09022015). Collection method: clinical testing. Allele origin: germline.
Comment: In summary, the available evidence is currently insufficient to determine the role of this variant in disease. Therefore, it has been classified as a Variant of Uncertain Significance. This variant disrupts the p.Ser270 amino acid residue in CLCN5. Other variant(s) that disrupt this residue have been determined to be pathogenic (PMID: 15086899, 19019917, 31947599, 9853249). This suggests that this residue is clinically significant, and that variants that disrupt this residue are likely to be disease-causing. Algorithms developed to predict the effect of missense changes on protein structure and function are either unavailable or do not agree on the potential impact of this missense change (SIFT: "Tolerated"; PolyPhen-2: "Possibly Damaging"; Align-GVGD: "Class C0"). This variant has been observed in individual(s) with Dent disease (PMID: 15086899). This variant is not present in population databases (ExAC no frequency). This sequence change replaces serine with glycine at codon 270 of the CLCN5 protein (p.Ser270Gly). The serine residue is highly conserved and there is a small physicochemical difference between serine and glycine.

Literature cited by the submitters: PubMed 15086899 (cited by Labcorp Genetics (formerly Invitae), Labcorp); PubMed 19019917 (cited by Labcorp Genetics (formerly Invitae), Labcorp); PubMed 31947599 (cited by Labcorp Genetics (formerly Invitae), Labcorp); PubMed 9853249 (cited by Labcorp Genetics (formerly Invitae), Labcorp).

NM_001127898.4(CLCN5):c.1018A>G (p.Ser340Gly)

Gene: CLCN5 (Cl-/H+ antiporter 5; plus strand). Cytogenetic location: Xp11.23.
Variant type: single nucleotide variant.
Coding change: c.1018A>G on transcript NM_001127898.4 (MANE Select); coding-DNA position 1018, A replaced by G.
Protein change: p.Ser340Gly; replaces serine 340 with glycine.
Molecular consequence: missense variant.
Genome position (GRCh38, 1-based): chrX:50,086,331, A>G. VCF-style: chrX-50086331-A-G. GRCh37 (hg19) VCF-style: chrX-49850988-A-G.
Other names: c.808A>G (NM_000084.4); c.808A>G, p.Ser270Gly (NM_000084.5); c.1018A>G, p.Ser340Gly (NM_001127899.4); c.868A>G, p.Ser290Gly (NM_001282163.2); short protein forms S270G, S340G, S290G.
Identifiers: ClinVar variation 1373925 (VCV001373925.9), dbSNP rs2147595202, ClinGen allele CA413185011.